The following is an entry in ClinVar:

ClinVar aggregate classification (germline): Likely pathogenic (1 of 4 stars; one submission).

Submission:

Labcorp Genetics (formerly Invitae), Labcorp
Classification: Likely pathogenic. Last evaluated: 2023-03-18. Review status: criteria provided, single submitter. Criteria: Invitae Variant Classification Sherloc (09022015). Collection method: clinical testing. Allele origin: unknown.
Comment: In summary, the currently available evidence indicates that the variant is pathogenic, but additional data are needed to prove that conclusively. Therefore, this variant has been classified as Likely Pathogenic. This variant has not been reported in the literature in individuals affected with OTOA-related conditions. This variant results in a copy number gain of the genomic region encompassing exon(s) 2-5 of the OTOA gene. While the exact position of this variant cannot be determined from the data, sub-genic copy number gains are generally in tandem (PMID: 25640679). This variant is predicted to be out-of-frame, and may result in an absent or disrupted protein product. Loss-of-function variants in OTOA are known to be pathogenic (PMID: 11972037).

Literature cited by the submitters: PubMed 25640679; PubMed 11972037.

NC_000016.9:g.(?_21690216)_(21693166_?)dup

Gene: OTOA (otoancorin). Cytogenetic location: 16p12.2.
Variant type: Duplication.
Identifiers: ClinVar variation 3243674 (VCV003243674.1).